The following is an entry in ClinVar:

NM_005655.4(KLF10):c.875G>A (p.Ser292Asn)

Gene: KLF10 (KLF transcription factor 10; minus strand). Cytogenetic location: 8q22.3.
Variant type: single nucleotide variant.
Coding change: c.875G>A on transcript NM_005655.4 (MANE Select); coding-DNA position 875, G replaced by A.
Protein change: p.Ser292Asn; replaces serine 292 with asparagine.
Molecular consequence: missense variant.
Genome position (GRCh38, 1-based): chr8:102,651,457, C>T on the plus strand (G>A on the coding strand, the complement: KLF10 is on the minus strand). VCF-style: chr8-102651457-C-T. GRCh37 (hg19) VCF-style: chr8-103663685-C-T.
Other names: c.842G>A, p.Ser281Asn (NM_001032282.4); short protein forms S281N, S292N.
Identifiers: ClinVar variation 1997616 (VCV001997616.4), dbSNP rs1827208251, ClinGen allele CA371626465.

ClinVar aggregate classification (germline): Uncertain significance (1 of 4 stars; one submission).

Allele frequency attached by ClinVar (database versions not stated): gnomAD exomes below 0.00001; TOPMed below 0.00001.
gnomAD v4.1: 1 of 1,613,918 alleles (0.000062%); highest among the groups gnomAD compares: Middle Eastern, 0.017%; no homozygotes.

Submission:

Labcorp Genetics (formerly Invitae), Labcorp
Classification: Uncertain significance. Last evaluated: 2022-10-14. Review status: criteria provided, single submitter. Criteria: Invitae Variant Classification Sherloc (09022015). Collection method: clinical testing. Allele origin: germline.
Comment: This sequence change replaces serine, which is neutral and polar, with asparagine, which is neutral and polar, at codon 292 of the KLF10 protein (p.Ser292Asn). This variant is not present in population databases (gnomAD no frequency). This variant has not been reported in the literature in individuals affected with KLF10-related conditions. Algorithms developed to predict the effect of missense changes on protein structure and function output the following: SIFT: "Tolerated"; PolyPhen-2: "Benign"; Align-GVGD: "Class C0". The asparagine amino acid residue is found in multiple mammalian species, which suggests that this missense change does not adversely affect protein function. In summary, the available evidence is currently insufficient to determine the role of this variant in disease. Therefore, it has been classified as a Variant of Uncertain Significance.